The following is an entry in ClinVar:

NM_002691.4(POLD1):c.2727G>T (p.Lys909Asn)

Gene: POLD1 (DNA polymerase delta 1, catalytic subunit; plus strand). Cytogenetic location: 19q13.33.
Variant type: single nucleotide variant.
Coding change: c.2727G>T on transcript NM_002691.4 (MANE Select); coding-DNA position 2727, G replaced by T.
Protein change: p.Lys909Asn; replaces lysine 909 with asparagine.
Molecular consequence: missense variant.
Genome position (GRCh38, 1-based): chr19:50,415,733, G>T. VCF-style: chr19-50415733-G-T. GRCh37 (hg19) VCF-style: chr19-50918990-G-T.
Other names: c.2805G>T, p.Lys935Asn (LRG_785t2, NM_001308632.1); c.2727G>T, p.Lys909Asn (LRG_785t1, NM_001256849.1); short protein forms K909N, K935N.
Identifiers: ClinVar variation 469292 (VCV000469292.8), dbSNP rs753176146, ClinGen allele CA406985830.

ClinVar aggregate classification (germline): Uncertain significance (1 of 4 stars; one submission).

Conditions:
POLD1-related polyposis and colorectal cancer syndrome (CRCS10). Also called: Colorectal cancer 10; COLORECTAL CANCER, SUSCEPTIBILITY TO, ON CHROMOSOME 19q; Colorectal cancer, susceptibility to, 10. Identifiers: Orphanet 220460, MedGen C2675481, MONDO:0012953, OMIM 612591.

Submission:

Labcorp Genetics (formerly Invitae), Labcorp
Classification: Uncertain significance for POLD1-related polyposis and colorectal cancer syndrome. Last evaluated: 2023-12-01. Review status: criteria provided, single submitter. Criteria: Invitae Variant Classification Sherloc (09022015). Collection method: clinical testing. Allele origin: germline.
Comment: This sequence change replaces lysine, which is basic and polar, with asparagine, which is neutral and polar, at codon 909 of the POLD1 protein (p.Lys909Asn). This variant is not present in population databases (gnomAD no frequency). This variant has not been reported in the literature in individuals affected with POLD1-related conditions. ClinVar contains an entry for this variant (Variation ID: 469292). Advanced modeling of protein sequence and biophysical properties (such as structural, functional, and spatial information, amino acid conservation, physicochemical variation, residue mobility, and thermodynamic stability) performed at Invitae indicates that this missense variant is not expected to disrupt POLD1 protein function with a negative predictive value of 80%. In summary, the available evidence is currently insufficient to determine the role of this variant in disease. Therefore, it has been classified as a Variant of Uncertain Significance.